The following is an entry in ClinVar:

NM_004727.3(SLC24A1):c.152G>A (p.Trp51Ter)

Gene: SLC24A1 (solute carrier family 24 member 1; plus strand). Cytogenetic location: 15q22.31.
Variant type: single nucleotide variant.
Coding change: c.152G>A on transcript NM_004727.3 (MANE Select); coding-DNA position 152, G replaced by A.
Protein change: p.Trp51Ter; replaces tryptophan 51 with a stop codon.
Molecular consequence: nonsense.
Genome position (GRCh38, 1-based): chr15:65,624,232, G>A. VCF-style: chr15-65624232-G-A. GRCh37 (hg19) VCF-style: chr15-65916570-G-A.
Other names: c.152G>A, p.Trp51Ter (NM_001301031.1, NM_001301032.1, NM_001301033.2 and 1 more transcripts); short protein forms W51*.
Identifiers: ClinVar variation 2986615 (VCV002986615.4), dbSNP rs763957405, ClinGen allele CA7619703.

ClinVar aggregate classification (germline): Pathogenic/Likely pathogenic. Review status: criteria provided, multiple submitters, no conflicts (2 of 4 stars). 2 submissions from 2 submitters: Pathogenic (1); Likely pathogenic (1). Last evaluated 2024-06-17.

Conditions:
SLC24A1-related disorder. Also called: SLC24A1-related condition.

Allele frequency attached by ClinVar (database versions not stated): ExAC 0.00001; TOPMed 0.00001.
gnomAD v4.1: 37 of 1,613,698 alleles (0.0023%); highest among the groups gnomAD compares: Non-Finnish European, 0.0031%; no homozygotes.

Submissions (2):

Blueprint Genetics
Classification: Likely pathogenic for SLC24A1-related disorders. Last evaluated: 2024-06-17. Review status: criteria provided, single submitter. Criteria: ACMG Guidelines, 2015. Collection method: clinical testing. Allele origin: germline. Affected: yes. Observed: 2 variant alleles.

Labcorp Genetics (formerly Invitae), Labcorp
Classification: Pathogenic. Last evaluated: 2023-12-23. Review status: criteria provided, single submitter. Criteria: Invitae Variant Classification Sherloc (09022015). Collection method: clinical testing. Allele origin: germline.
Comment: This sequence change creates a premature translational stop signal (p.Trp51*) in the SLC24A1 gene. It is expected to result in an absent or disrupted protein product. Loss-of-function variants in SLC24A1 are known to be pathogenic (PMID: 20850105, 26822852). This variant is present in population databases (rs763957405, gnomAD 0.002%). This variant has not been reported in the literature in individuals affected with SLC24A1-related conditions. For these reasons, this variant has been classified as Pathogenic.

Literature cited by the submitters: PubMed 20850105 (cited by Labcorp Genetics (formerly Invitae), Labcorp); PubMed 26822852 (cited by Labcorp Genetics (formerly Invitae), Labcorp).